The following is an entry in ClinVar:

ClinVar aggregate classification (germline): Pathogenic/Likely pathogenic. Review status: criteria provided, multiple submitters, no conflicts (2 of 4 stars). 4 submissions from 4 submitters: Pathogenic (1); Likely pathogenic (2). 1 of the submissions does not count toward it. Last evaluated 2025-08-29.

Conditions:
Aarskog syndrome (AAS). Also called: Aarskog-Scott syndrome, X-linked; FGDY; FGD1-Related Faciogenital Dysplasia (Aarskog-Scott Syndrome); Aarskog Scott syndrome; Aarskog disease. Identifiers: Orphanet 915, MedGen C0175701, MONDO:0010589, OMIM 305400.

Allele frequency attached by ClinVar (database versions not stated): TOPMed 0.00001.

Submissions (4):

Labcorp Genetics (formerly Invitae), Labcorp
Classification: Pathogenic. Last evaluated: 2025-08-29. Review status: criteria provided, single submitter. Criteria: Invitae Variant Classification Sherloc (09022015). Collection method: clinical testing. Allele origin: germline.
Comment: This sequence change replaces arginine, which is basic and polar, with histidine, which is basic and polar, at codon 522 of the FGD1 protein (p.Arg522His). This variant is not present in population databases (gnomAD no frequency). This missense change has been observed in individual(s) with clinical features of Aarskog-Scott syndrome (PMID: 11093277; internal data). In at least one individual the variant was observed to be de novo. It has also been observed to segregate with disease in related individuals. ClinVar contains an entry for this variant (Variation ID: 10826). Invitae Evidence Modeling of protein sequence and biophysical properties (such as structural, functional, and spatial information, amino acid conservation, physicochemical variation, residue mobility, and thermodynamic stability) has been performed for this missense variant. However, the output from this modeling did not meet the statistical confidence thresholds required to predict the impact of this variant on FGD1 protein function. Experimental studies have shown that this missense change affects FGD1 function (PMID: 21965325). For these reasons, this variant has been classified as Pathogenic.

Women's Health and Genetics/Laboratory Corporation of America, LabCorp
Classification: Likely pathogenic for Aarskog syndrome. Last evaluated: 2024-11-15. Review status: criteria provided, single submitter. Criteria: LabCorp Variant Classification Summary - May 2015. Collection method: clinical testing. Allele origin: germline.
Comment: Variant summary: FGD1 c.1565G>A (p.Arg522His) results in a non-conservative amino acid change located in the Dbl homology (DH) domain (IPR000219) of the encoded protein sequence. Five of five in-silico tools predict a damaging effect of the variant on protein function. The variant was absent in 180351 control chromosomes (gnomAD). c.1565G>A has been reported in the literature in a family in two hemizygous individuals affected with Aarskog Syndrome (Schwartz_2000). These data indicate that the variant may be associated with disease. At least one publication reported experimental evidence evaluating an impact on protein function, and demonstrated reduced activation of downstream signaling pathways (Zou_2011). The following publications have been ascertained in the context of this evaluation (PMID: 11093277, 21965325). ClinVar contains an entry for this variant (Variation ID: 10826). Based on the evidence outlined above, the variant was classified as likely pathogenic.

GeneDx
Classification: Likely pathogenic. Last evaluated: 2022-12-15. Review status: criteria provided, single submitter. Criteria: GeneDx Variant Classification Process June 2021. Collection method: clinical testing. Allele origin: germline. Affected: yes.
Comment: Published functional studies of this variant demonstrated a damaging effect on FGD1 function with reduced activation of MLK3 and reduced Runx2-responsive OG2-luc activity (Zou et al., 2011); Not observed at significant frequency in large population cohorts (gnomAD); In silico analysis supports that this missense variant has a deleterious effect on protein structure/function; This variant is associated with the following publications: (PMID: 11093277, 21965325)

OMIM
Classification: Pathogenic for AARSKOG-SCOTT SYNDROME. Last evaluated: 2000-11-01. Review status: no assertion criteria provided. Collection method: literature only. Allele origin: germline. Not counted in ClinVar's aggregate classification.

Literature cited by the submitters: PubMed 11093277 (cited by 3 submitters); PubMed 21965325 (cited by Labcorp Genetics (formerly Invitae), Labcorp and Women's Health and Genetics/Laboratory Corporation of America, LabCorp).

NM_004463.3(FGD1):c.1565G>A (p.Arg522His)

Gene: FGD1 (FYVE, RhoGEF and PH domain containing 1; minus strand). Cytogenetic location: Xp11.22.
Variant type: single nucleotide variant.
Coding change: c.1565G>A on transcript NM_004463.3 (MANE Select); coding-DNA position 1565, G replaced by A.
Protein change: p.Arg522His; replaces arginine 522 with histidine.
Molecular consequence: missense variant.
Genome position (GRCh38, 1-based): chrX:54,465,522, C>T on the plus strand (G>A on the coding strand, the complement: FGD1 is on the minus strand). VCF-style: chrX-54465522-C-T. GRCh37 (hg19) VCF-style: chrX-54491955-C-T.
Other names: c.1565G>A (NM_004463.2); short protein forms R522H.
Identifiers: ClinVar variation 10826 (VCV000010826.7), dbSNP rs137853264, ClinGen allele CA121190.